The following is an entry in ClinVar:

ClinVar aggregate classification (germline): Uncertain significance (1 of 4 stars; one submission).

Conditions:
Inborn genetic diseases. Identifiers: MedGen C0950123, MeSH D030342.

Allele frequency attached by ClinVar (database versions not stated): gnomAD 0.00001; TOPMed 0.00002.
gnomAD v4.1: 7 of 1,614,002 alleles (0.00043%); highest among the groups gnomAD compares: African/African-American, 0.0013%; no homozygotes.

Submission:

Ambry Genetics
Classification: Uncertain significance for Inborn genetic diseases. Last evaluated: 2020-01-25. Review status: criteria provided, single submitter. Criteria: Ambry Variant Classification Scheme 2023. Collection method: clinical testing. Allele origin: germline.
Comment: The p.H765N variant (also known as c.2293C>A), located in coding exon 7 of the ZEB2 gene, results from a C to A substitution at nucleotide position 2293. The histidine at codon 765 is replaced by asparagine, an amino acid with similar properties. This amino acid position is well conserved in available vertebrate species. In addition, this alteration is predicted to be tolerated by in silico analysis. Since supporting evidence is limited at this time, the clinical significance of this alteration remains unclear.

NM_014795.4(ZEB2):c.2293C>A (p.His765Asn)

Gene: ZEB2 (zinc finger E-box binding homeobox 2; minus strand). Cytogenetic location: 2q22.3.
Variant type: single nucleotide variant.
Coding change: c.2293C>A on transcript NM_014795.4 (MANE Select); coding-DNA position 2293, C replaced by A.
Protein change: p.His765Asn; replaces histidine 765 with asparagine.
Molecular consequence: missense variant.
Genome position (GRCh38, 1-based): chr2:144,398,894, G>T on the plus strand (C>A on the coding strand, the complement: ZEB2 is on the minus strand). VCF-style: chr2-144398894-G-T. GRCh37 (hg19) VCF-style: chr2-145156461-G-T.
Other names: c.2221C>A, p.His741Asn (NM_001171653.2); short protein forms H765N, H741N.
Identifiers: ClinVar variation 1789138 (VCV001789138.2), dbSNP rs1395904812, ClinGen allele CA348708613.